The following is an entry in ClinVar:

ClinVar aggregate classification (germline): Uncertain significance (1 of 4 stars; one submission).

Conditions:
Epidermolysis bullosa simplex 3, localized or generalized intermediate, with BP230 deficiency (EBS3). Also called: Epidermolysis bullosa simplex, autosomal recessive 2; Epidermolysis bullosa simplex due to BP230 deficiency. Identifiers: Orphanet 412181, MedGen C3809470, MONDO:0014180, OMIM 615425.
Hereditary sensory and autonomic neuropathy type 6. Also called: HSAN VI; Neuropathy, hereditary sensory and autonomic, type VI. Identifiers: Orphanet 314381, MedGen C3539003, MONDO:0013839, OMIM 614653.

Allele frequency attached by ClinVar (database versions not stated): TOPMed below 0.00001; gnomAD exomes 0.00002.
gnomAD v4.1: 27 of 1,610,846 alleles (0.0017%); highest among the groups gnomAD compares: Non-Finnish European, 0.0023%; no homozygotes.

Submission:

Labcorp Genetics (formerly Invitae), Labcorp
Classification: Uncertain significance for Epidermolysis bullosa simplex 3, localized or generalized intermediate, with BP230 deficiency; Hereditary sensory and autonomic neuropathy type 6. Last evaluated: 2020-07-08. Review status: criteria provided, single submitter. Criteria: Invitae Variant Classification Sherloc (09022015). Collection method: clinical testing. Allele origin: germline.
Comment: Experimental studies and prediction algorithms are not available or were not evaluated, and the functional significance of this variant is currently unknown. This variant has not been reported in the literature in individuals with DST-related conditions. This variant is not present in population databases (ExAC no frequency). This sequence change replaces tryptophan with cysteine at codon 2183 of the DST protein (p.Trp2183Cys). The tryptophan residue is highly conserved and there is a large physicochemical difference between the two amino acids. The DST gene has multiple clinically relevant transcripts. This variant occurs in alternate transcript NM_015548.4, and corresponds to NM_001723.5:c.*55201G>C in the primary transcript. In summary, the available evidence is currently insufficient to determine the role of this variant in disease. Therefore, it has been classified as a Variant of Uncertain Significance.

NM_001374736.1(DST):c.14418G>C (p.Trp4806Cys)

Gene: DST (dystonin; minus strand). Cytogenetic location: 6p12.1.
Variant type: single nucleotide variant.
Coding change: c.14418G>C on transcript NM_001374736.1 (MANE Select); coding-DNA position 14418, G replaced by C.
Protein change: p.Trp4806Cys; replaces tryptophan 4806 with cysteine.
Molecular consequence: missense variant.
Genome position (GRCh38, 1-based): chr6:56,560,316, C>G on the plus strand (G>C on the coding strand, the complement: DST is on the minus strand). VCF-style: chr6-56560316-C-G. GRCh37 (hg19) VCF-style: chr6-56425114-C-G.
Other names: c.8061G>C, p.Trp2687Cys (NM_001144769.5); c.7647G>C, p.Trp2549Cys (NM_001144770.2); c.14418G>C, p.Trp4806Cys (NM_001374722.1); c.13785G>C, p.Trp4595Cys (NM_001374729.1); c.7527G>C, p.Trp2509Cys (NM_001374730.1, NM_001386100.1, NM_183380.4); c.14445G>C, p.Trp4815Cys (NM_001374734.1); c.6549G>C, p.Trp2183Cys (NM_015548.5); short protein forms W2183C, W2509C, W2549C, W2687C, W4595C, W4806C, W4815C.
Identifiers: ClinVar variation 1000158 (VCV001000158.5), dbSNP rs2097517609, ClinGen allele CA364521817.
Genomic context (GRCh38, chr6:56,560,316, plus strand): 5'-TTTTCTTCATAGGCATTCATCTAAGTAACGCAACATACCTATTTCTGTCAACATCTGTTT[C>G]CATCTGGGGGCCTCAGGAGTATCTGGGTTCTCCTCCAACAGCTCTGTCAATTTGTCTTTC-3'
Protein context (NP_001361665.1, residues 4796-4816): ENPDTPEAPR[Trp4806Cys]KQMLTEIDSK